The following is an entry in ClinVar:

NM_002755.4(MAP2K1):c.95C>T (p.Ala32Val)

Gene: MAP2K1 (mitogen-activated protein kinase kinase 1; plus strand). Cytogenetic location: 15q22.31.
Variant type: single nucleotide variant.
Coding change: c.95C>T on transcript NM_002755.4 (MANE Select); coding-DNA position 95, C replaced by T.
Protein change: p.Ala32Val; replaces alanine 32 with valine.
Molecular consequence: missense variant.
Genome position (GRCh38, 1-based): chr15:66,435,041, C>T. VCF-style: chr15-66435041-C-T. GRCh37 (hg19) VCF-style: chr15-66727379-C-T.
Other names: c.29C>T, p.Ala10Val (NM_001411065.1); short protein forms A10V, A32V.
Identifiers: ClinVar variation 1767521 (VCV001767521.4), dbSNP rs1203670813, ClinGen allele CA392928922.

ClinVar aggregate classification (germline): Uncertain significance. Review status: criteria provided, multiple submitters, no conflicts (2 of 4 stars). 3 submissions from 3 submitters: Uncertain significance (3). Last evaluated 2025-09-25.

Conditions:
Cardiovascular phenotype. Identifiers: MedGen CN230736.
RASopathy. Also called: rasopathies; Noonan spectrum disorder. Identifiers: Orphanet 536391, MedGen C5555857, MONDO:0021060.

Allele frequency attached by ClinVar (database versions not stated): TOPMed 0.00002; gnomAD 0.00001.
gnomAD v4.1: 2 of 1,613,246 alleles (0.00012%); highest among the groups gnomAD compares: African/African-American, 0.0027%; no homozygotes.

Submissions (3):

Labcorp Genetics (formerly Invitae), Labcorp
Classification: Uncertain significance for RASopathy. Last evaluated: 2025-09-25. Review status: criteria provided, single submitter. Criteria: Invitae Variant Classification Sherloc (09022015). Collection method: clinical testing. Allele origin: germline.
Comment: This sequence change replaces alanine, which is neutral and non-polar, with valine, which is neutral and non-polar, at codon 32 of the MAP2K1 protein (p.Ala32Val). This variant is present in population databases (no rsID available, gnomAD 0.01%). This variant has not been reported in the literature in individuals affected with MAP2K1-related conditions. ClinVar contains an entry for this variant (Variation ID: 1767521). Invitae Evidence Modeling of protein sequence and biophysical properties (such as structural, functional, and spatial information, amino acid conservation, physicochemical variation, residue mobility, and thermodynamic stability) has been performed for this missense variant. However, the output from this modeling did not meet the statistical confidence thresholds required to predict the impact of this variant on MAP2K1 protein function. In summary, the available evidence is currently insufficient to determine the role of this variant in disease. Therefore, it has been classified as a Variant of Uncertain Significance.

ARUP Laboratories, Molecular Genetics and Genomics, ARUP Laboratories
Classification: Uncertain significance. Last evaluated: 2023-11-06. Review status: criteria provided, single submitter. Criteria: ARUP Molecular Germline Variant Investigation Process 2024. Collection method: clinical testing. Allele origin: germline.

Ambry Genetics
Classification: Uncertain significance for Cardiovascular phenotype. Last evaluated: 2021-07-07. Review status: criteria provided, single submitter. Criteria: Ambry Variant Classification Scheme 2023. Collection method: clinical testing. Allele origin: germline.
Comment: The p.A32V variant (also known as c.95C>T), located in coding exon 2 of the MAP2K1 gene, results from a C to T substitution at nucleotide position 95. The alanine at codon 32 is replaced by valine, an amino acid with similar properties. This amino acid position is conserved. In addition, the in silico prediction for this alteration is inconclusive. Since supporting evidence is limited at this time, the clinical significance of this alteration remains unclear.